The following is an entry in ClinVar:

NM_000368.5(TSC1):c.1231C>T (p.Leu411Phe)

Gene: TSC1 (TSC complex subunit 1; minus strand). Cytogenetic location: 9q34.13.
Variant type: single nucleotide variant.
Coding change: c.1231C>T on transcript NM_000368.5 (MANE Select); coding-DNA position 1231, C replaced by T.
Protein change: p.Leu411Phe; replaces leucine 411 with phenylalanine.
Molecular consequence: missense variant.
Genome position (GRCh38, 1-based): chr9:132,910,603, G>A on the plus strand (C>T on the coding strand, the complement: TSC1 is on the minus strand). VCF-style: chr9-132910603-G-A. GRCh37 (hg19) VCF-style: chr9-135785990-G-A.
Other names: c.1228C>T, p.Leu410Phe (NM_001162426.2); c.1078C>T, p.Leu360Phe (NM_001162427.2); c.868C>T, p.Leu290Phe (NM_001362177.2); short protein forms L411F, L290F, L360F, L410F.
Identifiers: ClinVar variation 411205 (VCV000411205.11), dbSNP rs397514840, ClinGen allele CA16612644.

ClinVar aggregate classification (germline): Conflicting classifications of pathogenicity. Review status: criteria provided, conflicting classifications (1 of 4 stars). 3 submissions from 3 submitters: Uncertain significance (2); Likely benign (1). Last evaluated 2026-04-15.

Conditions:
Hereditary cancer-predisposing syndrome. Also called: Hereditary neoplastic syndrome; Tumor predisposition; Hereditary Cancer Syndrome; Neoplastic Syndromes, Hereditary. Identifiers: Orphanet 140162, MedGen C0027672, MeSH D009386, MONDO:0015356.
Tuberous sclerosis 1 (TSC1). Identifiers: Orphanet 805, MedGen C1854465, MONDO:0008612, OMIM 191100.

Allele frequency attached by ClinVar (database versions not stated): TOPMed 0.00001.
gnomAD v4.1: 1 of 1,614,144 alleles (0.000062%); no homozygotes.

Submissions (3):

Ambry Genetics
Classification: Likely benign for Hereditary cancer-predisposing syndrome. Last evaluated: 2026-04-15. Review status: criteria provided, single submitter. Criteria: Ambry Variant Classification Scheme 2023. Collection method: clinical testing. Allele origin: germline.

Labcorp Genetics (formerly Invitae), Labcorp
Classification: Uncertain significance for Tuberous sclerosis 1. Last evaluated: 2025-02-25. Review status: criteria provided, single submitter. Criteria: Invitae Variant Classification Sherloc (09022015). Collection method: clinical testing. Allele origin: germline.
Comment: This sequence change replaces leucine, which is neutral and non-polar, with phenylalanine, which is neutral and non-polar, at codon 411 of the TSC1 protein (p.Leu411Phe). This variant is not present in population databases (gnomAD no frequency). This variant has not been reported in the literature in individuals affected with TSC1-related conditions. ClinVar contains an entry for this variant (Variation ID: 411205). Invitae Evidence Modeling of protein sequence and biophysical properties (such as structural, functional, and spatial information, amino acid conservation, physicochemical variation, residue mobility, and thermodynamic stability) indicates that this missense variant is not expected to disrupt TSC1 protein function with a negative predictive value of 95%. In summary, the available evidence is currently insufficient to determine the role of this variant in disease. Therefore, it has been classified as a Variant of Uncertain Significance.

Dasa
Classification: Uncertain significance for Tuberous sclerosis 1. Last evaluated: 2024-12-18. Review status: criteria provided, single submitter. Criteria: DASA Assertion Criteria. Collection method: clinical testing. Allele origin: germline.
Comment: NM_000368.5(TSC1):c.1231C>T (p.Leu411Phe) is a missense variant that results in the substitution of leucine with phenylalanine. This variant is rare in population databases. Computational prediction algorithms are consistent with a benign effect. The currently available literature and clinical evidence are not sufficient to establish a definitive association between this variant and the reported condition. Therefore, this variant is classified as a variant of uncertain significance.